The following is an entry in ClinVar:

NM_025132.4(WDR19):c.1919A>T (p.Asn640Ile)

Gene: WDR19 (WD repeat domain 19; plus strand). Cytogenetic location: 4p14.
Variant type: single nucleotide variant.
Coding change: c.1919A>T on transcript NM_025132.4 (MANE Select); coding-DNA position 1919, A replaced by T.
Protein change: p.Asn640Ile; replaces asparagine 640 with isoleucine.
Molecular consequence: missense variant.
Genome position (GRCh38, 1-based): chr4:39,228,627, A>T. VCF-style: chr4-39228627-A-T. GRCh37 (hg19) VCF-style: chr4-39230247-A-T.
Other names: c.1439A>T, p.Asn480Ile (NM_001317924.2); short protein forms N640I, N480I.
Identifiers: ClinVar variation 1367482 (VCV001367482.8), dbSNP rs2109358802, ClinGen allele CA356633206.
Genomic context (GRCh38, chr4:39,228,627, plus strand): 5'-GCCAAACACAGAGTGGAAAAGTAAACAACATCTACCTTAGCACCCATGGCTTTCTCAGCA[A>T]CTTAAAAGATACGGGGCCTGACGAACTGAGACCAATGCTGGCACAGAATTTAATGCTAAA-3'
Protein context (NP_079408.3, residues 630-650): IYLSTHGFLS[Asn640Ile]LKDTGPDELR

ClinVar aggregate classification (germline): Uncertain significance (1 of 4 stars; one submission).

Conditions:
Asphyxiating thoracic dystrophy 5 (SRTD5). Also called: SHORT-RIB THORACIC DYSPLASIA 5 WITHOUT POLYDACTYLY; SHORT-RIB THORACIC DYSPLASIA 5 WITH OR WITHOUT POLYDACTYLY. Identifiers: Orphanet 474, MedGen C3280598, MONDO:0013717, OMIM 614376.
Senior-Loken syndrome 8 (SLSN8). Identifiers: Orphanet 3156, MedGen C4225376, MONDO:0014579, OMIM 616307.

Submission:

Labcorp Genetics (formerly Invitae), Labcorp
Classification: Uncertain significance for Senior-Loken syndrome 8; Asphyxiating thoracic dystrophy 5. Last evaluated: 2022-07-12. Review status: criteria provided, single submitter. Criteria: Invitae Variant Classification Sherloc (09022015). Collection method: clinical testing. Allele origin: germline.
Comment: This variant is not present in population databases (gnomAD no frequency). In summary, the available evidence is currently insufficient to determine the role of this variant in disease. Therefore, it has been classified as a Variant of Uncertain Significance. This variant has not been reported in the literature in individuals affected with WDR19-related conditions. ClinVar contains an entry for this variant (Variation ID: 1367482). Algorithms developed to predict the effect of missense changes on protein structure and function (SIFT, PolyPhen-2, Align-GVGD) all suggest that this variant is likely to be tolerated. This sequence change replaces asparagine, which is neutral and polar, with isoleucine, which is neutral and non-polar, at codon 640 of the WDR19 protein (p.Asn640Ile).